The following is an entry in ClinVar:

ClinVar aggregate classification (germline): Uncertain significance (1 of 4 stars; one submission).

Conditions:
Cardiovascular phenotype. Identifiers: MedGen CN230736.

gnomAD v4.1: 4 of 1,611,792 alleles (0.00025%); highest among the groups gnomAD compares: Non-Finnish European, 0.00034%; no homozygotes.

Submission:

Ambry Genetics
Classification: Uncertain significance for Cardiovascular phenotype. Last evaluated: 2025-01-17. Review status: criteria provided, single submitter. Criteria: Ambry Variant Classification Scheme 2023. Collection method: clinical testing. Allele origin: germline.
Comment: The p.A137T variant (also known as c.409G>A), located in coding exon 4 of the SPRED1 gene, results from a G to A substitution at nucleotide position 409. The alanine at codon 137 is replaced by threonine, an amino acid with similar properties. This amino acid position is conserved. In addition, this alteration is predicted to be tolerated by in silico analysis. Based on the available evidence, the clinical significance of this variant remains unclear.

NM_152594.3(SPRED1):c.409G>A (p.Ala137Thr)

Gene: SPRED1 (sprouty related EVH1 domain containing 1; plus strand). Cytogenetic location: 15q14.
Variant type: single nucleotide variant.
Coding change: c.409G>A on transcript NM_152594.3 (MANE Select); coding-DNA position 409, G replaced by A.
Protein change: p.Ala137Thr; replaces alanine 137 with threonine.
Molecular consequence: missense variant.
Genome position (GRCh38, 1-based): chr15:38,324,795, G>A. VCF-style: chr15-38324795-G-A. GRCh37 (hg19) VCF-style: chr15-38616996-G-A.
Other names: short protein forms A137T.
Identifiers: ClinVar variation 3800906 (VCV003800906.1).
Genomic context (GRCh38, chr15:38,324,795, plus strand): 5'-CTTAATTAACTTTTATCTATTTTCTTAGGATGCCCCGAATCAAAAAATGAAGCTGAAGGG[G>A]CAGATGACTTACAAGTAAGTAATGGCTTGGAAGGAATTTGTAAACATAAAGGATGTGGAA-3'
Protein context (NP_689807.1, residues 127-147): CPESKNEAEG[Ala137Thr]DDLQANEEDS